The following is an entry in ClinVar:

NM_016360.4(TACO1):c.466A>G (p.Ser156Gly)

Gene: TACO1 (translational activator of cytochrome c oxidase I; plus strand). Cytogenetic location: 17q23.3.
Variant type: single nucleotide variant.
Coding change: c.466A>G on transcript NM_016360.4 (MANE Select); coding-DNA position 466, A replaced by G.
Protein change: p.Ser156Gly; replaces serine 156 with glycine.
Molecular consequence: missense variant.
Genome position (GRCh38, 1-based): chr17:63,606,391, A>G. VCF-style: chr17-63606391-A-G. GRCh37 (hg19) VCF-style: chr17-61683751-A-G.
Other names: short protein forms S156G.
Identifiers: ClinVar variation 3362016 (VCV003362016.1).

ClinVar aggregate classification (germline): Uncertain significance (1 of 4 stars; one submission).

gnomAD v4.1: 2 of 1,614,202 alleles (0.00012%); highest among the groups gnomAD compares: Non-Finnish European, 0.00017%; no homozygotes.

Submission:

GeneDx
Classification: Uncertain significance. Last evaluated: 2023-06-29. Review status: criteria provided, single submitter. Criteria: GeneDx Variant Classification Process June 2021. Collection method: clinical testing. Allele origin: germline. Affected: yes.
Comment: Not observed at significant frequency in large population cohorts (gnomAD); In silico analysis supports that this missense variant does not alter protein structure/function; Has not been previously published as pathogenic or benign to our knowledge